The following is an entry in ClinVar:

NM_004629.2(FANCG):c.73C>G (p.Arg25Gly)

Gene: FANCG (FA complementation group G; minus strand). Cytogenetic location: 9p13.3.
Variant type: single nucleotide variant.
Coding change: c.73C>G on transcript NM_004629.2 (MANE Select); coding-DNA position 73, C replaced by G.
Protein change: p.Arg25Gly; replaces arginine 25 with glycine.
Molecular consequence: missense variant.
Genome position (GRCh38, 1-based): chr9:35,079,452, G>C on the plus strand (C>G on the coding strand, the complement: FANCG is on the minus strand). VCF-style: chr9-35079452-G-C. GRCh37 (hg19) VCF-style: chr9-35079449-G-C.
Other names: c.73C>G (NM_004629.1); short protein forms R25G.
Identifiers: ClinVar variation 1369973 (VCV001369973.10), dbSNP rs752839554, ClinGen allele CA373315892.

ClinVar aggregate classification (germline): Uncertain significance. Review status: criteria provided, multiple submitters, no conflicts (2 of 4 stars). 2 submissions from 2 submitters: Uncertain significance (2). Last evaluated 2025-09-25.

Conditions:
Fanconi anemia (FA). Also called: Fanconi's anemia. Identifiers: Orphanet 84, MedGen C0015625, MeSH D005199, MONDO:0019391.
Inborn genetic diseases. Identifiers: MedGen C0950123, MeSH D030342.

Allele frequency attached by ClinVar (database versions not stated): gnomAD exomes below 0.00001; gnomAD 0.00001; TOPMed 0.00001.
gnomAD v4.1: 3 of 1,613,938 alleles (0.00019%); highest among the groups gnomAD compares: African/African-American, 0.0027%; no homozygotes.

Submissions (2):

Ambry Genetics
Classification: Uncertain significance for Inborn genetic diseases. Last evaluated: 2025-09-25. Review status: criteria provided, single submitter. Criteria: Ambry Variant Classification Scheme 2023. Collection method: clinical testing. Allele origin: germline.

Labcorp Genetics (formerly Invitae), Labcorp
Classification: Uncertain significance for Fanconi anemia. Last evaluated: 2021-02-15. Review status: criteria provided, single submitter. Criteria: Invitae Variant Classification Sherloc (09022015). Collection method: clinical testing. Allele origin: germline.
Comment: This variant has not been reported in the literature in individuals with FANCG-related conditions. Algorithms developed to predict the effect of missense changes on protein structure and function (SIFT, PolyPhen-2, Align-GVGD) all suggest that this variant is likely to be tolerated, but these predictions have not been confirmed by published functional studies and their clinical significance is uncertain. In summary, the available evidence is currently insufficient to determine the role of this variant in disease. Therefore, it has been classified as a Variant of Uncertain Significance. This variant is not present in population databases (ExAC no frequency). This sequence change replaces arginine with glycine at codon 25 of the FANCG protein (p.Arg25Gly). The arginine residue is moderately conserved and there is a moderate physicochemical difference between arginine and glycine.